The following is an entry in ClinVar:

ClinVar aggregate classification (germline): Likely benign. Review status: criteria provided, multiple submitters, no conflicts (2 of 4 stars). 2 submissions from 2 submitters: Likely benign (2). Last evaluated 2025-09-03.

Allele frequency attached by ClinVar (database versions not stated): gnomAD 0.00024; TOPMed 0.00027; gnomAD exomes 0.00031; ExAC 0.00036; ESP Exome Variant Server 0.00046.
gnomAD v4.1: 489 of 1,613,690 alleles (0.03%); highest among the groups gnomAD compares: Middle Eastern, 0.13%; no homozygotes.

Submissions (2):

Labcorp Genetics (formerly Invitae), Labcorp
Classification: Likely benign. Last evaluated: 2025-09-03. Review status: criteria provided, single submitter. Criteria: Invitae Variant Classification Sherloc (09022015). Collection method: clinical testing. Allele origin: germline.

CeGaT Center for Human Genetics Tuebingen
Classification: Likely benign. Last evaluated: 2023-06-01. Review status: criteria provided, single submitter. Criteria: CeGaT Center For Human Genetics Tuebingen Variant Classification Criteria Version 2. Collection method: clinical testing. Allele origin: germline. Affected: yes. Observed: 1 variant allele.
Comment: SLC19A1: BP4, BP7

NM_194255.4(SLC19A1):c.1218T>C (p.Phe406=)

Gene: SLC19A1 (solute carrier family 19 member 1; minus strand). Cytogenetic location: 21q22.3.
Variant type: single nucleotide variant.
Coding change: c.1218T>C on transcript NM_194255.4 (MANE Select); coding-DNA position 1218, T replaced by C.
Protein change: p.Phe406=; no amino-acid change (phenylalanine 406 retained).
Molecular consequence: synonymous variant.
Genome position (GRCh38, 1-based): chr21:45,525,892, A>G on the plus strand (T>C on the coding strand, the complement: SLC19A1 is on the minus strand). VCF-style: chr21-45525892-A-G. GRCh37 (hg19) VCF-style: chr21-46945806-A-G.
Other names: c.1218T>C, p.Phe406= (NM_001205206.4, NM_001352511.3, NM_001352512.2); c.1098T>C, p.Phe366= (NM_001205207.3); c.864T>C, p.Phe288= (NM_001352510.2).
Identifiers: ClinVar variation 2045394 (VCV002045394.28), dbSNP rs150116000, ClinGen allele CA10068371.